The following is an entry in ClinVar:

ClinVar aggregate classification (germline): Uncertain significance (1 of 4 stars; one submission).

gnomAD v4.1: 14 of 1,612,714 alleles (0.00087%); highest among the groups gnomAD compares: Middle Eastern, 0.016%; no homozygotes.

Submission:

Labcorp Genetics (formerly Invitae), Labcorp
Classification: Uncertain significance. Last evaluated: 2025-05-07. Review status: criteria provided, single submitter. Criteria: Invitae Variant Classification Sherloc (09022015). Collection method: clinical testing. Allele origin: germline.
Comment: This sequence change replaces alanine, which is neutral and non-polar, with threonine, which is neutral and polar, at codon 436 of the CREB3L3 protein (p.Ala436Thr). This variant is present in population databases (rs369516423, gnomAD 0.007%). This variant has not been reported in the literature in individuals affected with CREB3L3-related conditions. An algorithm developed to predict the effect of missense changes on protein structure and function outputs the following: PolyPhen-2: "Benign". The threonine amino acid residue is found in multiple mammalian species, which suggests that this missense change does not adversely affect protein function. In summary, the available evidence is currently insufficient to determine the role of this variant in disease. Therefore, it has been classified as a Variant of Uncertain Significance.

NM_032607.3(CREB3L3):c.1306G>A (p.Ala436Thr)

Genes: CREB3L3 (cAMP responsive element binding protein 3 like 3; plus strand), LOC125371455 (Sharpr-MPRA regulatory region 11650; plus strand). Cytogenetic location: 19p13.3.
Variant type: single nucleotide variant.
Coding change: c.1306G>A on transcript NM_032607.3 (MANE Select); coding-DNA position 1306, G replaced by A.
Protein change: p.Ala436Thr; replaces alanine 436 with threonine.
Molecular consequence: missense variant. On other transcripts: 3 prime UTR variant (1).
Genome position (GRCh38, 1-based): chr19:4,171,889, G>A. VCF-style: chr19-4171889-G-A. GRCh37 (hg19) VCF-style: chr19-4171886-G-A.
Other names: c.1303G>A, p.Ala435Thr (NM_001271995.2); c.1300G>A, p.Ala434Thr (NM_001271996.2); c.*185G>A (NM_001271997.2); short protein forms A434T, A435T, A436T.
Identifiers: ClinVar variation 4705558 (VCV004705558.1).